The following is an entry in ClinVar:

ClinVar aggregate classification (germline): Conflicting classifications of pathogenicity. Review status: criteria provided, conflicting classifications (1 of 4 stars). 11 submissions from 11 submitters: Uncertain significance (1); Benign (1); Likely benign (6). 3 of the submissions do not count toward it. Last evaluated 2026-07-01.

Conditions:
Autosomal recessive limb-girdle muscular dystrophy type 2Y (MRRSDC). Also called: Muscular dystrophy, limb-girdle, type 2y; Muscular dystrophy, autosomal recessive, with rigid spine and distal joint contractures. Identifiers: Orphanet 424261, MedGen C4511482, MONDO:0014900, OMIM 617072.
TOR1AIP1-related disorder. Also called: TOR1AIP1-related condition.
Inborn genetic diseases. Identifiers: MedGen C0950123, MeSH D030342.

Allele frequency attached by ClinVar (database versions not stated): 1000 Genomes Project 30x 0.00062; 1000 Genomes Project 0.00080; ESP Exome Variant Server 0.00155; TOPMed 0.00194; gnomAD exomes 0.00220 and 0.00301; gnomAD 0.00223 and 0.00233; ExAC 0.00405.
gnomAD v4.1: 4,429 of 1,517,228 alleles (0.29%); highest among the groups gnomAD compares: Non-Finnish European, 0.34%; 14 homozygotes.

Submissions (11):

CeGaT Center for Human Genetics Tuebingen
Classification: Likely benign. Last evaluated: 2026-07-01. Review status: criteria provided, single submitter. Criteria: CeGaT Center For Human Genetics Tuebingen Variant Classification Criteria Version 2. Collection method: clinical testing. Allele origin: germline. Affected: yes. Observed: 9 variant alleles.
Comment: TOR1AIP1: BS2

Labcorp Genetics (formerly Invitae), Labcorp
Classification: Benign for Autosomal recessive limb-girdle muscular dystrophy type 2Y. Last evaluated: 2026-02-02. Review status: criteria provided, single submitter. Criteria: Invitae Variant Classification Sherloc (09022015). Collection method: clinical testing. Allele origin: germline.

Ambry Genetics
Classification: Uncertain significance for Inborn genetic diseases. Last evaluated: 2025-11-20. Review status: criteria provided, single submitter. Criteria: Ambry Variant Classification Scheme 2023. Collection method: clinical testing. Allele origin: germline.

Mayo Clinic Laboratories, Mayo Clinic
Classification: Likely benign. Last evaluated: 2025-02-10. Review status: criteria provided, single submitter. Criteria: ACMG Guidelines, 2015. Collection method: clinical testing. Allele origin: germline. Observed: 2 variant alleles.
Comment: BS1, BP4

Blueprint Genetics
Classification: Likely benign. Last evaluated: 2024-11-26. Review status: criteria provided, single submitter. Criteria: ACMG Guidelines, 2015. Collection method: clinical testing. Allele origin: germline.

Genome-Nilou Lab
Classification: Likely benign for Autosomal recessive limb-girdle muscular dystrophy type 2Y. Last evaluated: 2023-04-11. Review status: criteria provided, single submitter. Criteria: ACMG Guidelines, 2015. Collection method: clinical testing. Allele origin: germline. Affected: no.

GeneDx
Classification: Likely benign. Last evaluated: 2022-05-06. Review status: criteria provided, single submitter. Criteria: GeneDx Variant Classification Process June 2021. Collection method: clinical testing. Allele origin: germline. Affected: yes.
Comment: See Variant Classification Assertion Criteria.

Fulgent Genetics
Classification: Likely benign for Autosomal recessive limb-girdle muscular dystrophy type 2Y. Last evaluated: 2021-07-23. Review status: criteria provided, single submitter. Criteria: ACMG Guidelines, 2015. Collection method: clinical testing. Allele origin: unknown.

PreventionGenetics, part of Exact Sciences
Classification: Likely benign for TOR1AIP1-related condition. Last evaluated: 2020-04-01. Review status: no assertion criteria provided. Collection method: clinical testing. Allele origin: germline. Not counted in ClinVar's aggregate classification.
Comment: This variant is classified as likely benign based on ACMG/AMP sequence variant interpretation guidelines (Richards et al. 2015 PMID: 25741868, with internal and published modifications).

Clinical Genetics, Academic Medical Center
Classification: Likely benign. Review status: no assertion criteria provided. Collection method: clinical testing. Allele origin: germline. Affected: yes. Study: VKGL Data-share Consensus. Not counted in ClinVar's aggregate classification.

Genome Diagnostics Laboratory, University Medical Center Utrecht
Classification: Likely benign. Review status: no assertion criteria provided. Collection method: clinical testing. Allele origin: germline. Affected: yes. Study: VKGL Data-share Consensus. Not counted in ClinVar's aggregate classification.

NM_015602.4(TOR1AIP1):c.70C>G (p.Pro24Ala)

Genes: TOR1AIP1 (torsin 1A interacting protein 1; plus strand), LOC112577517 (Sharpr-MPRA regulatory region 13766; plus strand). Cytogenetic location: 1q25.2.
Variant type: single nucleotide variant.
Coding change: c.70C>G on transcript NM_015602.4 (MANE Select); coding-DNA position 70, C replaced by G.
Protein change: p.Pro24Ala; replaces proline 24 with alanine.
Molecular consequence: missense variant.
Genome position (GRCh38, 1-based): chr1:179,882,572, C>G. VCF-style: chr1-179882572-C-G. GRCh37 (hg19) VCF-style: chr1-179851707-C-G.
Other names: p.Pro24Ala; c.70C>G, p.Pro24Ala (NM_001267578.2); c.70C>G (NM_015602.2); short protein forms P24A.
Identifiers: ClinVar variation 476288 (VCV000476288.45), dbSNP rs146976883, ClinGen allele CA1268639.